The following is an entry in ClinVar:

ClinVar aggregate classification (germline): Uncertain significance (1 of 4 stars; one submission).

Submission:

Dasa
Classification: Uncertain significance. Last evaluated: 2025-11-20. Review status: criteria provided, single submitter. Criteria: DASA Assertion Criteria. Collection method: clinical testing. Allele origin: germline.
Comment: NM_001197104.2(KMT2A):c.1552T>C (p.Ser518Pro) is a missense variant that results in the substitution of serine with proline. This variant is absent from population databases. The currently available literature and clinical evidence are not sufficient to establish a definitive association between this variant and the reported condition. Therefore, this variant is classified as a variant of uncertain significance.

NM_001197104.2(KMT2A):c.1552T>C (p.Ser518Pro)

Gene: KMT2A (lysine methyltransferase 2A; plus strand). Cytogenetic location: 11q23.3.
Variant type: single nucleotide variant.
Coding change: c.1552T>C on transcript NM_001197104.2 (MANE Select); coding-DNA position 1552, T replaced by C.
Protein change: p.Ser518Pro; replaces serine 518 with proline.
Molecular consequence: missense variant.
Genome position (GRCh38, 1-based): chr11:118,472,711, T>C. VCF-style: chr11-118472711-T-C. GRCh37 (hg19) VCF-style: chr11-118343426-T-C.
Other names: c.1651T>C, p.Ser551Pro (NM_001412597.1); c.1552T>C, p.Ser518Pro (NM_005933.4); short protein forms S518P, S551P.
Identifiers: ClinVar variation 4885620 (VCV004885620.2).